The following is an entry in ClinVar:

NM_001776.6(ENTPD1):c.1327-8G>C

Genes: ENTPD1 (ectonucleoside triphosphate diphosphohydrolase 1; plus strand), ENTPD1-AS1 (ENTPD1 antisense RNA 1; minus strand). Cytogenetic location: 10q24.1.
Variant type: single nucleotide variant.
Coding change: c.1327-8G>C on transcript NM_001776.6 (MANE Select); 8 bases into the intron before coding-DNA position 1327, G replaced by C.
Molecular consequence: intron variant.
Genome position (GRCh38, 1-based): chr10:95,866,169, G>C. VCF-style: chr10-95866169-G-C. GRCh37 (hg19) VCF-style: chr10-97625926-G-C.
Other names: c.1348-8G>C (NM_001098175.2); c.1003-8G>C (NM_001312654.1, NM_001164181.1); c.1363-8G>C (NM_001164178.1); c.1362+1308G>C (NM_001320916.1); c.1204-8G>C (NM_001164179.2); c.913-8G>C (NM_001164182.2, NM_001164183.2).
Identifiers: ClinVar variation 2162468 (VCV002162468.4), dbSNP rs113356670, ClinGen allele CA212156648.

ClinVar aggregate classification (germline): Uncertain significance (1 of 4 stars; one submission).

Conditions:
Hereditary spastic paraplegia 64. Also called: Spastic paraplegia 64, autosomal recessive; ENTPD1-Related Neurodevelopmental Disorder. Identifiers: Orphanet 401810, MedGen C3810289, MONDO:0014303, OMIM 615683.

gnomAD v4.1: 7 of 1,612,154 alleles (0.00043%); highest among the groups gnomAD compares: African/African-American, 0.0013%; no homozygotes.

Submission:

Labcorp Genetics (formerly Invitae), Labcorp
Classification: Uncertain significance for Hereditary spastic paraplegia 64. Last evaluated: 2022-04-30. Review status: criteria provided, single submitter. Criteria: Invitae Variant Classification Sherloc (09022015). Collection method: clinical testing. Allele origin: germline.
Comment: Algorithms developed to predict the effect of sequence changes on RNA splicing suggest that this variant may create or strengthen a splice site. This sequence change falls in intron 9 of the ENTPD1 gene. It does not directly change the encoded amino acid sequence of the ENTPD1 protein. This variant is not present in population databases (gnomAD no frequency). This variant has not been reported in the literature in individuals affected with ENTPD1-related conditions. In summary, the available evidence is currently insufficient to determine the role of this variant in disease. Therefore, it has been classified as a Variant of Uncertain Significance.